The following is an entry in ClinVar:

NM_032776.3(JMJD1C):c.3878A>C (p.Lys1293Thr)

Gene: JMJD1C (jumonji domain containing 1C; minus strand). Cytogenetic location: 10q21.3.
Variant type: single nucleotide variant.
Coding change: c.3878A>C on transcript NM_032776.3 (MANE Select); coding-DNA position 3878, A replaced by C.
Protein change: p.Lys1293Thr; replaces lysine 1293 with threonine.
Molecular consequence: missense variant. On other transcripts: non-coding transcript variant (1).
Genome position (GRCh38, 1-based): chr10:63,207,791, T>G on the plus strand (A>C on the coding strand, the complement: JMJD1C is on the minus strand). VCF-style: chr10-63207791-T-G. GRCh37 (hg19) VCF-style: chr10-64967551-T-G.
Other names: c.3332A>C, p.Lys1111Thr (NM_001282948.2, NM_001318154.2); c.3014A>C, p.Lys1005Thr (NM_001318153.2); c.3764A>C, p.Lys1255Thr (NM_001322252.2); c.3221A>C, p.Lys1074Thr (NM_001322254.2, NM_001322258.2); c.3878A>C (NM_032776.1); short protein forms K1293T, K1005T, K1074T, K1111T, K1255T.
Identifiers: ClinVar variation 957694 (VCV000957694.10), dbSNP rs1564607852, ClinGen allele CA377039869.

ClinVar aggregate classification (germline): Uncertain significance. Review status: criteria provided, multiple submitters, no conflicts (2 of 4 stars). 2 submissions from 2 submitters: Uncertain significance (2). Last evaluated 2023-11-09.

Conditions:
Early Myoclonic Encephalopathy. Identifiers: MedGen C0270855.

Allele frequency attached by ClinVar (database versions not stated): gnomAD exomes 0.00001 and below 0.00001.
gnomAD v4.1: 17 of 1,614,226 alleles (0.0011%); highest among the groups gnomAD compares: East Asian, 0.0022%; no homozygotes.

Submissions (2):

Ambry Genetics
Classification: Uncertain significance. Last evaluated: 2023-11-09. Review status: criteria provided, single submitter. Criteria: Ambry Variant Classification Scheme 2023. Collection method: clinical testing. Allele origin: germline.

Labcorp Genetics (formerly Invitae), Labcorp
Classification: Uncertain significance for Early Myoclonic Encephalopathy. Last evaluated: 2022-03-19. Review status: criteria provided, single submitter. Criteria: Invitae Variant Classification Sherloc (09022015). Collection method: clinical testing. Allele origin: germline.
Comment: In summary, the available evidence is currently insufficient to determine the role of this variant in disease. Therefore, it has been classified as a Variant of Uncertain Significance. Algorithms developed to predict the effect of missense changes on protein structure and function are either unavailable or do not agree on the potential impact of this missense change (SIFT: "Deleterious"; PolyPhen-2: "Possibly Damaging"; Align-GVGD: "Class C0"). ClinVar contains an entry for this variant (Variation ID: 957694). This variant has not been reported in the literature in individuals affected with JMJD1C-related conditions. This variant is not present in population databases (gnomAD no frequency). This sequence change replaces lysine, which is basic and polar, with threonine, which is neutral and polar, at codon 1293 of the JMJD1C protein (p.Lys1293Thr).